The following is an entry in ClinVar:

NM_198904.4(GABRG2):c.916_922+8del

Gene: GABRG2 (gamma-aminobutyric acid type A receptor subunit gamma2; plus strand). Cytogenetic location: 5q34.
Variant type: Deletion.
Coding change: c.916_922+8del on transcript NM_198904.4 (MANE Select); coding-DNA position 916 through 8 bases into the intron after coding-DNA position 922, 15 bases deleted (TCTTTAGGTGAGACA).
Molecular consequence: splice donor variant.
Genome position (GRCh38, 1-based): chr5:162,142,310-162,142,324, TCTTTAGGTGAGACA deleted; deleting any 15 consecutive bases within chr5:162,142,307-162,142,324 gives the same sequence; the c. name uses the placement nearest the transcript's 3' end. VCF-style (leftmost placement, unchanged base first): chr5-162142306-AACATCTTTAGGTGAG-A. GRCh37 (hg19) VCF-style: chr5-161569312-AACATCTTTAGGTGAG-A.
Other names: c.631_637+8del (NM_001375349.1); c.1036_1042+8del (NM_001375343.1, NM_198903.2); c.955_961+8del (NM_001375344.1); c.916_922+8del (NM_001375340.1, NM_000816.3); c.913_919+8del (NM_001375341.1, NM_001375342.1); c.496_502+8del (NM_001375350.1, NM_001375348.1); c.907_913+8del (NM_001375339.1); c.850_856+8del (NM_001375346.1, NM_001375345.1); and 1 more.
Identifiers: ClinVar variation 1484366 (VCV001484366.6), dbSNP rs2113599162, ClinGen allele CA2573139347.

ClinVar aggregate classification (germline): Likely pathogenic (1 of 4 stars; one submission).

Conditions:
EPILEPSY, CHILDHOOD ABSENCE, SUSCEPTIBILITY TO, 2 (ECA2). Identifiers: Orphanet 64280, MedGen C1843244, OMIM 607681.
Febrile seizures, familial, 8 (FEB8). Also called: CONVULSIONS, FAMILIAL FEBRILE, 8. Identifiers: Orphanet 36387, MedGen C1969810, MONDO:0011891, OMIM 607681.

Submission:

Labcorp Genetics (formerly Invitae), Labcorp
Classification: Likely pathogenic for Febrile seizures, familial, 8; EPILEPSY, CHILDHOOD ABSENCE, SUSCEPTIBILITY TO, 2. Last evaluated: 2024-03-04. Review status: criteria provided, single submitter. Criteria: Invitae Variant Classification Sherloc (09022015). Collection method: clinical testing. Allele origin: germline.
Comment: This variant results in the deletion of part of exon 7 (c.916_922+8del) of the GABRG2 gene. It is expected to disrupt RNA splicing. Variants that disrupt the donor or acceptor splice site typically lead to a loss of protein function (PMID: 16199547), and loss-of-function variants in GABRG2 are known to be pathogenic (PMID: 22539854, 22750526, 24407264). This variant is not present in population databases (gnomAD no frequency). This variant has not been reported in the literature in individuals affected with GABRG2-related conditions. ClinVar contains an entry for this variant (Variation ID: 1484366). In summary, the currently available evidence indicates that the variant is pathogenic, but additional data are needed to prove that conclusively. Therefore, this variant has been classified as Likely Pathogenic.

Literature cited by the submitters: PubMed 16199547; PubMed 22539854; PubMed 22750526; PubMed 24407264.